The following is an entry in ClinVar:

NM_001876.4(CPT1A):c.1670dup (p.Ile558fs)

Gene: CPT1A (carnitine palmitoyltransferase 1A; minus strand). Cytogenetic location: 11q13.3.
Variant type: Duplication.
Coding change: c.1670dup on transcript NM_001876.4 (MANE Select); coding-DNA position 1670, one base duplicated (G; older notation c.1670dupG).
Protein change: p.Ile558fs; shifts the reading frame from isoleucine 558.
Molecular consequence: frameshift variant.
Genome position (GRCh38, 1-based): chr11:68,773,335, C duplicated on the plus strand (G on the coding strand, the reverse complement: CPT1A is on the minus strand); the first of 2 consecutive C bases (chr11:68,773,335-68,773,336); duplicating either gives the same sequence. VCF-style (leftmost placement, unchanged base first): chr11-68773334-T-TC. GRCh37 (hg19) VCF-style: chr11-68540802-T-TC.
Other names: c.1670dup, p.Ile558fs (NM_001031847.3); short protein forms I558fs.
Identifiers: ClinVar variation 1995273 (VCV001995273.4), dbSNP rs2495552847, ClinGen allele CA2580084766.

ClinVar aggregate classification (germline): Pathogenic (1 of 4 stars; one submission).

Conditions:
Carnitine palmitoyl transferase 1A deficiency. Also called: Carnitine palmitoyltransferase 1A deficiency; Carnitine palmitoyltransferase type I deficiency; CPT deficiency, hepatic, type IA; CPT I DEFICIENCY; CPT DEFICIENCY, HEPATIC, TYPE I. Identifiers: Orphanet 156, MedGen C1829703, MONDO:0009705, OMIM 255120.

Submission:

Labcorp Genetics (formerly Invitae), Labcorp
Classification: Pathogenic for Carnitine palmitoyl transferase 1A deficiency. Last evaluated: 2022-05-16. Review status: criteria provided, single submitter. Criteria: Invitae Variant Classification Sherloc (09022015). Collection method: clinical testing. Allele origin: germline.
Comment: This variant is not present in population databases (gnomAD no frequency). For these reasons, this variant has been classified as Pathogenic. This variant has not been reported in the literature in individuals affected with CPT1A-related conditions. This sequence change creates a premature translational stop signal (p.Ile558Asnfs*54) in the CPT1A gene. It is expected to result in an absent or disrupted protein product. Loss-of-function variants in CPT1A are known to be pathogenic (PMID: 16169268).

Literature cited by the submitters: PubMed 16169268.